The following is an entry in ClinVar:

ClinVar aggregate classification (germline): Uncertain significance. Review status: criteria provided, single submitter (1 of 4 stars). 2 submissions from 2 submitters: Uncertain significance (1). 1 of the submissions does not count toward it. Last evaluated 2022-09-26.

Conditions:
Bardet-Biedl syndrome (BBS). Identifiers: Orphanet 110, MedGen C0752166, MONDO:0015229.
BBS10-related disorder. Also called: BBS10-related condition.

Allele frequency attached by ClinVar (database versions not stated): TOPMed below 0.00001; gnomAD 0.00001; gnomAD exomes 0.00001; ExAC 0.00002; 1000 Genomes Project 30x 0.00016; 1000 Genomes Project 0.00020.

Submissions (2):

Labcorp Genetics (formerly Invitae), Labcorp
Classification: Uncertain significance for Bardet-Biedl syndrome. Last evaluated: 2022-09-26. Review status: criteria provided, single submitter. Criteria: Invitae Variant Classification Sherloc (09022015). Collection method: clinical testing. Allele origin: germline.
Comment: This sequence change replaces proline, which is neutral and non-polar, with leucine, which is neutral and non-polar, at codon 711 of the BBS10 protein (p.Pro711Leu). This variant is present in population databases (rs202134724, gnomAD 0.004%). This variant has not been reported in the literature in individuals affected with BBS10-related conditions. ClinVar contains an entry for this variant (Variation ID: 1413256). Advanced modeling of protein sequence and biophysical properties (such as structural, functional, and spatial information, amino acid conservation, physicochemical variation, residue mobility, and thermodynamic stability) performed at Invitae indicates that this missense variant is not expected to disrupt BBS10 protein function. In summary, the available evidence is currently insufficient to determine the role of this variant in disease. Therefore, it has been classified as a Variant of Uncertain Significance.

PreventionGenetics, part of Exact Sciences
Classification: Uncertain significance for BBS10-related condition. Last evaluated: 2024-05-01. Review status: no assertion criteria provided. Collection method: clinical testing. Allele origin: germline. Not counted in ClinVar's aggregate classification.
Comment: The BBS10 c.2132C>T variant is predicted to result in the amino acid substitution p.Pro711Leu. To our knowledge, this variant has not been reported in the literature. This variant is reported in 0.0046% of alleles in individuals of European (Finnish) descent in gnomAD. At this time, the clinical significance of this variant is uncertain due to the absence of conclusive functional and genetic evidence.

NM_024685.4(BBS10):c.2132C>T (p.Pro711Leu)

Gene: BBS10 (Bardet-Biedl syndrome 10; minus strand). Cytogenetic location: 12q21.2.
Variant type: single nucleotide variant.
Coding change: c.2132C>T on transcript NM_024685.4 (MANE Select); coding-DNA position 2132, C replaced by T.
Protein change: p.Pro711Leu; replaces proline 711 with leucine.
Molecular consequence: missense variant.
Genome position (GRCh38, 1-based): chr12:76,345,853, G>A on the plus strand (C>T on the coding strand, the complement: BBS10 is on the minus strand). VCF-style: chr12-76345853-G-A. GRCh37 (hg19) VCF-style: chr12-76739633-G-A.
Other names: c.2132C>T (NM_024685.3); short protein forms P711L.
Identifiers: ClinVar variation 1413256 (VCV001413256.6), dbSNP rs202134724, ClinGen allele CA6694046.